The following is an entry in ClinVar:

ClinVar aggregate classification (germline): Uncertain significance. Review status: criteria provided, multiple submitters, no conflicts (2 of 4 stars). 2 submissions from 2 submitters: Uncertain significance (2). Last evaluated 2025-09-28.

Allele frequency attached by ClinVar (database versions not stated): gnomAD 0.00001; TOPMed 0.00001.
gnomAD v4.1: 2 of 1,606,554 alleles (0.00012%); highest among the groups gnomAD compares: African/African-American, 0.0013%; no homozygotes.

Submissions (2):

Ambry Genetics
Classification: Uncertain significance. Last evaluated: 2025-09-28. Review status: criteria provided, single submitter. Criteria: Ambry Variant Classification Scheme 2023. Collection method: clinical testing. Allele origin: germline.
Comment: The p.R784S variant (also known as c.2352G>C), located in coding exon 15 of the RINT1 gene, results from a G to C substitution at nucleotide position 2352. The arginine at codon 784 is replaced by serine, an amino acid with dissimilar properties. This amino acid position is conserved. In addition, the in silico prediction for this alteration is inconclusive. Since supporting evidence is limited at this time, the clinical significance of this alteration remains unclear.

Labcorp Genetics (formerly Invitae), Labcorp
Classification: Uncertain significance. Last evaluated: 2024-04-22. Review status: criteria provided, single submitter. Criteria: Invitae Variant Classification Sherloc (09022015). Collection method: clinical testing. Allele origin: germline.
Comment: This sequence change replaces arginine, which is basic and polar, with serine, which is neutral and polar, at codon 784 of the RINT1 protein (p.Arg784Ser). This variant is not present in population databases (gnomAD no frequency). This variant has not been reported in the literature in individuals affected with RINT1-related conditions. ClinVar contains an entry for this variant (Variation ID: 646552). An algorithm developed to predict the effect of missense changes on protein structure and function (PolyPhen-2) suggests that this variant is likely to be disruptive. In summary, the available evidence is currently insufficient to determine the role of this variant in disease. Therefore, it has been classified as a Variant of Uncertain Significance.

NM_021930.6(RINT1):c.2352G>C (p.Arg784Ser)

Genes: EFCAB10 (EF-hand calcium binding domain 10; minus strand), RINT1 (RAD50 interactor 1; plus strand). Cytogenetic location: 7q22.3.
Variant type: single nucleotide variant.
Coding change: c.2352G>C on transcript NM_021930.6 (MANE Select); coding-DNA position 2352, G replaced by C.
Protein change: p.Arg784Ser; replaces arginine 784 with serine.
Molecular consequence: missense variant. On other transcripts: 3 prime UTR variant (2), non-coding transcript variant (1), intron variant (3).
Genome position (GRCh38, 1-based): chr7:105,567,284, G>C. VCF-style: chr7-105567284-G-C. GRCh37 (hg19) VCF-style: chr7-105207731-G-C.
Other names: c.*170C>G (NM_001355527.2, NM_001355529.2); c.2118G>C, p.Arg706Ser (NM_001346599.2); c.1329G>C, p.Arg443Ser (NM_001346600.2, NM_001346603.2); c.1428G>C, p.Arg476Ser (NM_001346601.2); c.360-1837C>G (NM_001355531.2); c.383+183C>G (NM_001355526.2, NM_001355530.2); short protein forms R784S, R476S, R443S, R706S.
Identifiers: ClinVar variation 646552 (VCV000646552.11), dbSNP rs1262999211, ClinGen allele CA368815699.